The following is an entry in ClinVar:

ClinVar aggregate classification (germline): Benign/Likely benign. Review status: criteria provided, multiple submitters, no conflicts (2 of 4 stars). 6 submissions from 6 submitters: Benign (2); Likely benign (4). Last evaluated 2025-12-25.

Conditions:
TRIOBP-related disorder. Also called: TRIOBP-related condition.
Autosomal recessive nonsyndromic hearing loss 28. Identifiers: Orphanet 90636, MedGen C1853276, MONDO:0012355, OMIM 609823.

Allele frequency attached by ClinVar (database versions not stated): TOPMed 0.00056; 1000 Genomes Project 30x 0.00062; 1000 Genomes Project 0.00080; ESP Exome Variant Server 0.00084; gnomAD exomes 0.00087; ExAC 0.00104.
gnomAD v4.1: 1,053 of 1,613,804 alleles (0.065%); highest among the groups gnomAD compares: Middle Eastern, 0.33%; 6 homozygotes.

Submissions (6):

Labcorp Genetics (formerly Invitae), Labcorp
Classification: Benign. Last evaluated: 2025-12-25. Review status: criteria provided, single submitter. Criteria: Invitae Variant Classification Sherloc (09022015). Collection method: clinical testing. Allele origin: germline.

PreventionGenetics, part of Exact Sciences
Classification: Likely benign for TRIOBP-related condition. Last evaluated: 2024-12-09. Review status: criteria provided, single submitter. Criteria: ACMG Guidelines, 2015. Collection method: clinical testing. Allele origin: germline.
Comment: This variant is classified as likely benign based on ACMG/AMP sequence variant interpretation guidelines (Richards et al. 2015 PMID: 25741868, with internal and published modifications).

Blueprint Genetics
Classification: Likely benign. Last evaluated: 2024-11-21. Review status: criteria provided, single submitter. Criteria: ACMG Guidelines, 2015. Collection method: clinical testing. Allele origin: germline.

CeGaT Center for Human Genetics Tuebingen
Classification: Likely benign. Last evaluated: 2023-07-01. Review status: criteria provided, single submitter. Criteria: CeGaT Center For Human Genetics Tuebingen Variant Classification Criteria Version 2. Collection method: clinical testing. Allele origin: germline. Affected: yes. Observed: 1 variant allele.
Comment: TRIOBP: BP4, BS2

Department of Pathology and Laboratory Medicine, Sinai Health System
Classification: Likely benign for Autosomal recessive nonsyndromic hearing loss 28. Last evaluated: 2022-05-04. Review status: criteria provided, single submitter. Criteria: ACMG Guidelines, 2015. Collection method: research. Allele origin: germline.

GeneDx
Classification: Benign. Last evaluated: 2019-05-13. Review status: criteria provided, single submitter. Criteria: GeneDx Variant Classification Process June 2021. Collection method: clinical testing. Allele origin: germline. Affected: yes.

NM_001039141.3(TRIOBP):c.1132C>T (p.Pro378Ser)

Gene: TRIOBP (TRIO and F-actin binding protein; plus strand). Cytogenetic location: 22q13.1.
Variant type: single nucleotide variant.
Coding change: c.1132C>T on transcript NM_001039141.3 (MANE Select); coding-DNA position 1132, C replaced by T.
Protein change: p.Pro378Ser; replaces proline 378 with serine.
Molecular consequence: missense variant.
Genome position (GRCh38, 1-based): chr22:37,723,688, C>T. VCF-style: chr22-37723688-C-T. GRCh37 (hg19) VCF-style: chr22-38119695-C-T.
Other names: short protein forms P378S.
Identifiers: ClinVar variation 1221941 (VCV001221941.38), dbSNP rs183024099, ClinGen allele CA10223524.